The following is an entry in ClinVar:

NM_002234.4(KCNA5):c.1363G>A (p.Ala455Thr)

Gene: KCNA5 (potassium voltage-gated channel subfamily A member 5; plus strand). Cytogenetic location: 12p13.32.
Variant type: single nucleotide variant.
Coding change: c.1363G>A on transcript NM_002234.4 (MANE Select); coding-DNA position 1363, G replaced by A.
Protein change: p.Ala455Thr; replaces alanine 455 with threonine.
Molecular consequence: missense variant.
Genome position (GRCh38, 1-based): chr12:5,045,510, G>A. VCF-style: chr12-5045510-G-A. GRCh37 (hg19) VCF-style: chr12-5154676-G-A.
Other names: c.1363G>A (NM_002234.2); short protein forms A455T.
Identifiers: ClinVar variation 1055852 (VCV001055852.10), dbSNP rs778231380, ClinGen allele CA6399856.
Genomic context (GRCh38, chr12:5,045,510, plus strand): 5'-GGGCTGCTCATCTTCTTCCTCTTCATCGGGGTCATCCTCTTCTCCAGTGCCGTCTACTTC[G>A]CAGAGGCTGACAACCAGGGAACCCATTTCTCTAGCATCCCTGACGCCTTCTGGTGGGCAG-3'
Protein context (NP_002225.2, residues 445-465): VILFSSAVYF[Ala455Thr]EADNQGTHFS

ClinVar aggregate classification (germline): Uncertain significance. Review status: criteria provided, multiple submitters, no conflicts (2 of 4 stars). 2 submissions from 2 submitters: Uncertain significance (2). Last evaluated 2024-06-10.

Conditions:
Inborn genetic diseases. Identifiers: MedGen C0950123, MeSH D030342.
Atrial fibrillation, familial, 7 (ATFB7). Identifiers: MedGen C2677106, MONDO:0012828, OMIM 612240.

Allele frequency attached by ClinVar (database versions not stated): gnomAD exomes below 0.00001 and 0.00001; TOPMed below 0.00001; ExAC 0.00001.

Submissions (2):

Ambry Genetics
Classification: Uncertain significance for Inborn genetic diseases. Last evaluated: 2024-06-10. Review status: criteria provided, single submitter. Criteria: Ambry Variant Classification Scheme 2023. Collection method: clinical testing. Allele origin: germline.

Labcorp Genetics (formerly Invitae), Labcorp
Classification: Uncertain significance for Atrial fibrillation, familial, 7. Last evaluated: 2023-07-07. Review status: criteria provided, single submitter. Criteria: Invitae Variant Classification Sherloc (09022015). Collection method: clinical testing. Allele origin: germline.
Comment: This sequence change replaces alanine, which is neutral and non-polar, with threonine, which is neutral and polar, at codon 455 of the KCNA5 protein (p.Ala455Thr). The frequency data for this variant in the population databases is considered unreliable, as metrics indicate poor data quality at this position in the gnomAD database. This variant has not been reported in the literature in individuals affected with KCNA5-related conditions. ClinVar contains an entry for this variant (Variation ID: 1055852). Advanced modeling of protein sequence and biophysical properties (such as structural, functional, and spatial information, amino acid conservation, physicochemical variation, residue mobility, and thermodynamic stability) performed at Invitae indicates that this missense variant is not expected to disrupt KCNA5 protein function. In summary, the available evidence is currently insufficient to determine the role of this variant in disease. Therefore, it has been classified as a Variant of Uncertain Significance.